The following is an entry in ClinVar:

NM_013296.5(GPSM2):c.683G>A (p.Arg228His)

Gene: GPSM2 (G protein signaling modulator 2; plus strand). Cytogenetic location: 1p13.3.
Variant type: single nucleotide variant.
Coding change: c.683G>A on transcript NM_013296.5 (MANE Select); coding-DNA position 683, G replaced by A.
Protein change: p.Arg228His; replaces arginine 228 with histidine.
Molecular consequence: missense variant.
Genome position (GRCh38, 1-based): chr1:108,898,880, G>A. VCF-style: chr1-108898880-G-A. GRCh37 (hg19) VCF-style: chr1-109441502-G-A.
Other names: c.683G>A, p.Arg228His (NM_001321038.2, NM_001321039.3); short protein forms R228H.
Identifiers: ClinVar variation 291701 (VCV000291701.7), dbSNP rs757559568, ClinGen allele CA982862.

ClinVar aggregate classification (germline): Uncertain significance. Review status: criteria provided, multiple submitters, no conflicts (2 of 4 stars). 3 submissions from 3 submitters: Uncertain significance (3). Last evaluated 2024-04-10.

Conditions:
Chudley-McCullough syndrome (CMCS). Also called: Deafness, autosomal recessive 82; DEAFNESS, SENSORINEURAL, WITH PARTIAL AGENESIS OF THE CORPUS CALLOSUM AND ARACHNOID CYSTS. Identifiers: Orphanet 314597, MedGen C1858695, MONDO:0011411, OMIM 604213.

Allele frequency attached by ClinVar (database versions not stated): ExAC 0.00003; gnomAD 0.00005; TOPMed 0.00005; gnomAD exomes 0.00006 and 0.00003.
gnomAD v4.1: 96 of 1,606,950 alleles (0.006%); highest among the groups gnomAD compares: Non-Finnish European, 0.0075%; no homozygotes.

Submissions (3):

GeneDx
Classification: Uncertain significance. Last evaluated: 2024-04-10. Review status: criteria provided, single submitter. Criteria: GeneDx Variant Classification Process June 2021. Collection method: clinical testing. Allele origin: germline. Affected: yes.
Comment: Not observed at significant frequency in large population cohorts (gnomAD); In silico analysis supports that this missense variant has a deleterious effect on protein structure/function; Has not been previously published as pathogenic or benign to our knowledge

Labcorp Genetics (formerly Invitae), Labcorp
Classification: Uncertain significance. Last evaluated: 2022-02-06. Review status: criteria provided, single submitter. Criteria: Invitae Variant Classification Sherloc (09022015). Collection method: clinical testing. Allele origin: germline.
Comment: This sequence change replaces arginine, which is basic and polar, with histidine, which is basic and polar, at codon 228 of the GPSM2 protein (p.Arg228His). This variant is present in population databases (rs757559568, gnomAD 0.007%). This variant has not been reported in the literature in individuals affected with GPSM2-related conditions. ClinVar contains an entry for this variant (Variation ID: 291701). Algorithms developed to predict the effect of missense changes on protein structure and function are either unavailable or do not agree on the potential impact of this missense change (SIFT: "Deleterious"; PolyPhen-2: "Probably Damaging"; Align-GVGD: "Class C0"). In summary, the available evidence is currently insufficient to determine the role of this variant in disease. Therefore, it has been classified as a Variant of Uncertain Significance.

Illumina Laboratory Services, Illumina
Classification: Uncertain significance for Chudley-McCullough syndrome. Last evaluated: 2018-01-13. Review status: criteria provided, single submitter. Criteria: ICSL Variant Classification Criteria 13 December 2019. Collection method: clinical testing. Allele origin: germline.